The following is an entry in ClinVar:

NM_033380.3(COL4A5):c.3754G>A (p.Gly1252Ser)

Gene: COL4A5 (collagen type IV alpha 5 chain; plus strand). Cytogenetic location: Xq22.3.
Variant type: single nucleotide variant.
Coding change: c.3754G>A on transcript NM_033380.3 (MANE Select); coding-DNA position 3754, G replaced by A.
Protein change: p.Gly1252Ser; replaces glycine 1252 with serine.
Molecular consequence: missense variant.
Genome position (GRCh38, 1-based): chrX:108,668,468, G>A. VCF-style: chrX-108668468-G-A. GRCh37 (hg19) VCF-style: chrX-107911698-G-A.
Other names: c.3754G>A, p.Gly1252Ser (NM_000495.5); short protein forms G1252S.
Identifiers: ClinVar variation 2737351 (VCV002737351.3), dbSNP rs104886262, ClinGen allele CA258949.

ClinVar aggregate classification (germline): Likely pathogenic (1 of 4 stars; one submission).

Submission:

Labcorp Genetics (formerly Invitae), Labcorp
Classification: Likely pathogenic. Last evaluated: 2023-07-03. Review status: criteria provided, single submitter. Criteria: Invitae Variant Classification Sherloc (09022015). Collection method: clinical testing. Allele origin: germline.
Comment: In summary, the currently available evidence indicates that the variant is pathogenic, but additional data are needed to prove that conclusively. Therefore, this variant has been classified as Likely Pathogenic. This variant disrupts the triple helix domain of COL4A5. Glycine residues within the Gly-Xaa-Yaa repeats of the triple helix domain are required for the structure and stability of fibrillar collagens (PMID: 7695699, 8218237, 19344236). In COL4A5, missense variants at these glycine residues are significantly enriched in individuals with disease (PMID: 23720012, 27627812) compared to the general population (ExAC). Advanced modeling of protein sequence and biophysical properties (such as structural, functional, and spatial information, amino acid conservation, physicochemical variation, residue mobility, and thermodynamic stability) performed at Invitae indicates that this missense variant is expected to disrupt COL4A5 protein function. This variant is also known as 3956G>A. This missense change has been observed in individual(s) with Alport syndrome (PMID: 8940267). This variant is not present in population databases (gnomAD no frequency). This sequence change replaces glycine, which is neutral and non-polar, with serine, which is neutral and polar, at codon 1252 of the COL4A5 protein (p.Gly1252Ser).

Literature cited by the submitters: PubMed 7695699; PubMed 8218237; PubMed 19344236; PubMed 23720012; PubMed 27627812; PubMed 8940267.